The following is an entry in ClinVar:

ClinVar aggregate classification (germline): Uncertain significance (1 of 4 stars; one submission).

Submission:

Labcorp Genetics (formerly Invitae), Labcorp
Classification: Uncertain significance. Last evaluated: 2025-09-22. Review status: criteria provided, single submitter. Criteria: Invitae Variant Classification Sherloc (09022015). Collection method: clinical testing. Allele origin: germline.
Comment: This sequence change replaces serine, which is neutral and polar, with alanine, which is neutral and non-polar, at codon 1209 of the COL7A1 protein (p.Ser1209Ala). This variant is not present in population databases (gnomAD no frequency). This variant has not been reported in the literature in individuals affected with COL7A1-related conditions. Invitae Evidence Modeling of protein sequence and biophysical properties (such as structural, functional, and spatial information, amino acid conservation, physicochemical variation, residue mobility, and thermodynamic stability) indicates that this missense variant is not expected to disrupt COL7A1 protein function with a negative predictive value of 95%. In summary, the available evidence is currently insufficient to determine the role of this variant in disease. Therefore, it has been classified as a Variant of Uncertain Significance.

NM_000094.4(COL7A1):c.3625T>G (p.Ser1209Ala)

Gene: COL7A1 (collagen type VII alpha 1 chain; minus strand). Cytogenetic location: 3p21.31.
Variant type: single nucleotide variant.
Coding change: c.3625T>G on transcript NM_000094.4 (MANE Select); coding-DNA position 3625, T replaced by G.
Protein change: p.Ser1209Ala; replaces serine 1209 with alanine.
Molecular consequence: missense variant.
Genome position (GRCh38, 1-based): chr3:48,586,172, A>C on the plus strand (T>G on the coding strand, the complement: COL7A1 is on the minus strand). VCF-style: chr3-48586172-A-C. GRCh37 (hg19) VCF-style: chr3-48623605-A-C.
Other names: short protein forms S1209A.
Identifiers: ClinVar variation 4801665 (VCV004801665.1).